The following is an entry in ClinVar:

ClinVar aggregate classification (germline): Likely benign (1 of 4 stars; one submission).

gnomAD v4.1: 9 of 1,613,346 alleles (0.00056%); highest among the groups gnomAD compares: Admixed American, 0.0033%; no homozygotes.

Submission:

CeGaT Center for Human Genetics Tuebingen
Classification: Likely benign. Last evaluated: 2026-05-01. Review status: criteria provided, single submitter. Criteria: CeGaT Center For Human Genetics Tuebingen Variant Classification Criteria Version 2. Collection method: clinical testing. Allele origin: germline. Affected: yes. Observed: 1 variant allele.
Comment: PLXNA1: BP4, BP7

NM_032242.4(PLXNA1):c.5481C>T (p.Ser1827=)

Gene: PLXNA1 (plexin A1; plus strand). Cytogenetic location: 3q21.3.
Variant type: single nucleotide variant.
Coding change: c.5481C>T on transcript NM_032242.4 (MANE Select); coding-DNA position 5481, C replaced by T.
Protein change: p.Ser1827=; no amino-acid change (serine 1827 retained).
Molecular consequence: synonymous variant.
Genome position (GRCh38, 1-based): chr3:127,032,722, C>T. VCF-style: chr3-127032722-C-T. GRCh37 (hg19) VCF-style: chr3-126751565-C-T.
Identifiers: ClinVar variation 4873008 (VCV004873008.2).